The following is an entry in ClinVar:

ClinVar aggregate classification (germline): Uncertain significance (1 of 4 stars; one submission).

gnomAD v4.1: 4 of 1,614,020 alleles (0.00025%); highest among the groups gnomAD compares: African/African-American, 0.004%; no homozygotes.

Submission:

Dasa
Classification: Uncertain significance. Last evaluated: 2025-11-11. Review status: criteria provided, single submitter. Criteria: DASA Assertion Criteria. Collection method: clinical testing. Allele origin: germline.
Comment: NM_006015.6(ARID1A):c.2144C>T (p.Ser715Leu) is a missense variant that results in the substitution of serine with leucine. This variant is rare in population databases. The currently available literature and clinical evidence are not sufficient to establish a definitive association between this variant and the reported condition. Therefore, this variant is classified as a variant of uncertain significance.

NM_006015.6(ARID1A):c.2144C>T (p.Ser715Leu)

Gene: ARID1A (AT-rich interaction domain 1A; plus strand). Cytogenetic location: 1p36.11.
Variant type: single nucleotide variant.
Coding change: c.2144C>T on transcript NM_006015.6 (MANE Select); coding-DNA position 2144, C replaced by T.
Protein change: p.Ser715Leu; replaces serine 715 with leucine.
Molecular consequence: missense variant.
Genome position (GRCh38, 1-based): chr1:26,761,079, C>T. VCF-style: chr1-26761079-C-T. GRCh37 (hg19) VCF-style: chr1-27087570-C-T.
Other names: c.2144C>T, p.Ser715Leu (NM_139135.4); short protein forms S715L.
Identifiers: ClinVar variation 4881817 (VCV004881817.2).